The following is an entry in ClinVar:

ClinVar aggregate classification (germline): Conflicting classifications of pathogenicity. Review status: criteria provided, conflicting classifications (1 of 4 stars). 7 submissions from 7 submitters: Uncertain significance (5); Likely benign (1). 1 of the submissions does not count toward it. Last evaluated 2026-02-03.

Conditions:
Hereditary cancer-predisposing syndrome. Also called: Tumor predisposition; Neoplastic Syndromes, Hereditary; Hereditary Cancer Syndrome; Hereditary neoplastic syndrome. Identifiers: Orphanet 140162, MedGen C0027672, MeSH D009386, MONDO:0015356.
Multiple endocrine neoplasia type 4. Also called: MULTIPLE ENDOCRINE NEOPLASIA, TYPE IV. Identifiers: Orphanet 276152, MedGen C1970712, MONDO:0012552, OMIM 610755.

Allele frequency attached by ClinVar (database versions not stated): gnomAD exomes 0.00001 and 0.00002; ExAC 0.00002; gnomAD 0.00003 and 0.00004; TOPMed 0.00003.
gnomAD v4.1: 22 of 1,613,534 alleles (0.0014%); highest among the groups gnomAD compares: South Asian, 0.0044%; no homozygotes.

Submissions (7):

Labcorp Genetics (formerly Invitae), Labcorp
Classification: Uncertain significance for Multiple endocrine neoplasia type 4. Last evaluated: 2026-02-03. Review status: criteria provided, single submitter. Criteria: Invitae Variant Classification Sherloc (09022015). Collection method: clinical testing. Allele origin: germline.
Comment: This sequence change replaces glycine, which is neutral and non-polar, with arginine, which is basic and polar, at codon 9 of the CDKN1B protein (p.Gly9Arg). This variant is present in population databases (rs755225286, gnomAD 0.006%). This missense change has been observed in individual(s) with parathyroid adenomas and primary hyperparathyroidism (PMID: 21289244). ClinVar contains an entry for this variant (Variation ID: 404270). An algorithm developed to predict the effect of missense changes on protein structure and function (PolyPhen-2) suggests that this variant is likely to be disruptive. Experimental studies have shown that this missense change affects CDKN1B function (PMID: 33316141). In summary, the available evidence is currently insufficient to determine the role of this variant in disease. Therefore, it has been classified as a Variant of Uncertain Significance.

Baylor Genetics
Classification: Uncertain significance for Multiple endocrine neoplasia type 4. Last evaluated: 2024-03-27. Review status: criteria provided, single submitter. Criteria: ACMG Guidelines, 2015. Collection method: clinical testing. Allele origin: unknown.

Clinical Genetics Laboratory, Skane University Hospital Lund
Classification: Uncertain significance. Last evaluated: 2023-12-28. Review status: criteria provided, single submitter. Criteria: ACMG Guidelines, 2015. Collection method: clinical testing. Allele origin: germline. Affected: yes.

GeneDx
Classification: Uncertain significance. Last evaluated: 2023-06-22. Review status: criteria provided, single submitter. Criteria: GeneDx Variant Classification Process June 2021. Collection method: clinical testing. Allele origin: germline. Affected: yes.
Comment: Not observed at significant frequency in large population cohorts (gnomAD); In silico analysis supports that this missense variant has a deleterious effect on protein structure/function; Published functional studies demonstrate decreased CDKN1B protein expression and/or stability and a loss of functional activity as a tumor suppressor gene (Costa-Guda et al., 2011; Bencivenga et al., 2021); This variant is associated with the following publications: (PMID: 30990521, 30065701, 21289244, 33316141, 26989398, 32783018, 36520683)

Ambry Genetics
Classification: Likely benign for Hereditary cancer-predisposing syndrome. Last evaluated: 2022-12-13. Review status: criteria provided, single submitter. Criteria: Ambry Variant Classification Scheme 2023. Collection method: clinical testing. Allele origin: germline.

Institute for Clinical Genetics, University Hospital TU Dresden, University Hospital TU Dresden
Classification: Uncertain significance. Last evaluated: 2021-11-03. Review status: criteria provided, single submitter. Criteria: ACMG Guidelines, 2015. Collection method: clinical testing. Allele origin: germline.

Gharavi Laboratory, Columbia University
Classification: Uncertain significance. Last evaluated: 2018-09-16. Review status: no assertion criteria provided. Criteria: ACMG Guidelines, 2015. Collection method: research. Allele origin: germline. Affected: no. Not counted in ClinVar's aggregate classification.

Literature cited by the submitters: PubMed 21289244 (cited by Labcorp Genetics (formerly Invitae), Labcorp and Ambry Genetics); PubMed 33316141 (cited by Labcorp Genetics (formerly Invitae), Labcorp and Ambry Genetics); PubMed 26989398 (cited by Ambry Genetics).

NM_004064.5(CDKN1B):c.25G>A (p.Gly9Arg)

Gene: CDKN1B (cyclin dependent kinase inhibitor 1B; plus strand). Cytogenetic location: 12p13.1.
Variant type: single nucleotide variant.
Coding change: c.25G>A on transcript NM_004064.5 (MANE Select); coding-DNA position 25, G replaced by A.
Protein change: p.Gly9Arg; replaces glycine 9 with arginine.
Molecular consequence: missense variant.
Genome position (GRCh38, 1-based): chr12:12,717,864, G>A. VCF-style: chr12-12717864-G-A. GRCh37 (hg19) VCF-style: chr12-12870798-G-A.
Other names: short protein forms G9R.
Identifiers: ClinVar variation 404270 (VCV000404270.23), dbSNP rs755225286, ClinGen allele CA6457363.